The following is an entry in ClinVar:

NM_001357.5(DHX9):c.3739T>G (p.Phe1247Val)

Gene: DHX9 (DExH-box helicase 9; plus strand). Cytogenetic location: 1q25.3.
Variant type: single nucleotide variant.
Coding change: c.3739T>G on transcript NM_001357.5 (MANE Select); coding-DNA position 3739, T replaced by G.
Protein change: p.Phe1247Val; replaces phenylalanine 1247 with valine.
Molecular consequence: missense variant. On other transcripts: non-coding transcript variant (1).
Genome position (GRCh38, 1-based): chr1:182,887,360, T>G. VCF-style: chr1-182887360-T-G. GRCh37 (hg19) VCF-style: chr1-182856495-T-G.
Other names: short protein forms F1247V.
Identifiers: ClinVar variation 4535251 (VCV004535251.6).

ClinVar aggregate classification (germline): Uncertain significance (1 of 4 stars; one submission).

Submission:

CeGaT Center for Human Genetics Tuebingen
Classification: Uncertain significance. Last evaluated: 2025-11-01. Review status: criteria provided, single submitter. Criteria: CeGaT Center For Human Genetics Tuebingen Variant Classification Criteria Version 2. Collection method: clinical testing. Allele origin: germline. Affected: yes. Observed: 1 variant allele.
Comment: DHX9: PM2, BP4